The following is an entry in ClinVar:

NM_001122752.2(SERPINI1):c.329A>G (p.Asn110Ser)

Gene: SERPINI1 (serpin family I member 1; plus strand). Cytogenetic location: 3q26.1.
Variant type: single nucleotide variant.
Coding change: c.329A>G on transcript NM_001122752.2 (MANE Select); coding-DNA position 329, A replaced by G.
Protein change: p.Asn110Ser; replaces asparagine 110 with serine.
Molecular consequence: missense variant.
Genome position (GRCh38, 1-based): chr3:167,790,450, A>G. VCF-style: chr3-167790450-A-G. GRCh37 (hg19) VCF-style: chr3-167508238-A-G.
Other names: c.329A>G, p.Asn110Ser (NM_005025.5); short protein forms N110S.
Identifiers: ClinVar variation 3711911 (VCV003711911.2).

ClinVar aggregate classification (germline): Uncertain significance (1 of 4 stars; one submission).

Conditions:
Familial encephalopathy with neuroserpin inclusion bodies. Also called: ENCEPHALOPATHY, FAMILIAL, WITH COLLINS BODIES. Identifiers: Orphanet 85110, MedGen C1858680, MONDO:0011412, OMIM 604218.

gnomAD v4.1: 7 of 1,613,964 alleles (0.00043%); highest among the groups gnomAD compares: Admixed American, 0.0083%; no homozygotes.

Submission:

Labcorp Genetics (formerly Invitae), Labcorp
Classification: Uncertain significance for Familial encephalopathy with neuroserpin inclusion bodies. Last evaluated: 2024-08-06. Review status: criteria provided, single submitter. Criteria: Invitae Variant Classification Sherloc (09022015). Collection method: clinical testing. Allele origin: germline.
Comment: This sequence change replaces asparagine, which is neutral and polar, with serine, which is neutral and polar, at codon 110 of the SERPINI1 protein (p.Asn110Ser). This variant is present in population databases (no rsID available, gnomAD 0.006%). This variant has not been reported in the literature in individuals affected with SERPINI1-related conditions. Advanced modeling of protein sequence and biophysical properties (such as structural, functional, and spatial information, amino acid conservation, physicochemical variation, residue mobility, and thermodynamic stability) performed at Invitae indicates that this missense variant is not expected to disrupt SERPINI1 protein function with a negative predictive value of 80%. In summary, the available evidence is currently insufficient to determine the role of this variant in disease. Therefore, it has been classified as a Variant of Uncertain Significance.